The following is an entry in ClinVar:

NM_001004320.2(AGMO):c.1098_1100del (p.Leu367del)

Gene: AGMO (alkylglycerol monooxygenase; minus strand). Cytogenetic location: 7p21.2.
Variant type: Deletion.
Coding change: c.1098_1100del on transcript NM_001004320.2 (MANE Select); coding-DNA positions 1098 to 1100, 3 bases deleted (TCT; older notation c.1098_1100delTCT).
Protein change: p.Leu367del; deletes leucine 367.
Molecular consequence: inframe deletion.
Genome position (GRCh38, 1-based): chr7:15,366,197-15,366,199, AGA deleted on the plus strand (TCT on the coding strand, the reverse complement: AGMO is on the minus strand); deleting any 3 consecutive bases within chr7:15,366,197-15,366,201 gives the same sequence; the c. name uses the placement nearest the transcript's 3' end. VCF-style (leftmost placement, unchanged base first): chr7-15366196-CAGA-C. GRCh37 (hg19) VCF-style: chr7-15405821-CAGA-C.
Other names: short protein forms L367del.
Identifiers: ClinVar variation 1701699 (VCV001701699.1), dbSNP rs773539256, ClinGen allele CA4168373.

ClinVar aggregate classification (germline): Uncertain significance (1 of 4 stars; one submission).

Conditions:
AGMO-related Neurodevelopmental disorder.

Submission:

New York Genome Center
Classification: Uncertain significance for AGMO-related Neurodevelopmental disorder. Last evaluated: 2021-12-19. Review status: criteria provided, single submitter. Criteria: NYGC Assertion Criteria 2020. Collection method: clinical testing. Allele origin: inherited. Observed: 1 compound heterozygote. Study: CSER-NYCKidSeq.
Comment: The inherited heterozygous c.1098_1100del, p.Leu367del inframe deletion identified in the AGMO gene has not been reported in affected individuals in the literature or in the ClinVar database. The variant has 0.00009207 allele frequency in the gnomAD(v3) database (14 out of 152060 heterozygous alleles, no homozygotes) suggesting it is not a common benign variant in the populations represented in that database. The variant affects a moderately conserved amino acid. Based on the available evidence, the inherited heterozygous c.1098_1100del, p.Leu367del variant identified in the AGMO gene is reported as a Variant of Uncertain Significance.